The following is an entry in ClinVar:

NM_001807.6(CEL):c.300C>A (p.Cys100Ter)

Gene: CEL (carboxyl ester lipase; plus strand). Cytogenetic location: 9q34.13.
Variant type: single nucleotide variant.
Coding change: c.300C>A on transcript NM_001807.6 (MANE Select); coding-DNA position 300, C replaced by A.
Protein change: p.Cys100Ter; replaces cysteine 100 with a stop codon.
Molecular consequence: nonsense.
Genome position (GRCh38, 1-based): chr9:133,064,722, C>A. VCF-style: chr9-133064722-C-A. GRCh37 (hg19) VCF-style: chr9-135940109-C-A.
Other names: short protein forms C100*.
Identifiers: ClinVar variation 4796729 (VCV004796729.1).
Genomic context (GRCh38, chr9:133,064,722, plus strand): 5'-CAAGAAGAGATGCCTGCAGGCCACCATCACCCAGGACAGCACCTACGGGGATGAAGACTG[C>A]CTGTACCTCAACATTTGGGTGCCCCAGGGCAGGAAGCAAGGTCTGCCTCCCCTCTACTCC-3'

ClinVar aggregate classification (germline): Likely pathogenic (1 of 4 stars; one submission).

Conditions:
Maturity-onset diabetes of the young type 8 (MODY8). Also called: DIABETES AND PANCREATIC EXOCRINE DYSFUNCTION; DIABETES-PANCREATIC EXOCRINE DYSFUNCTION SYNDROME. Identifiers: Orphanet 552, MedGen C1853297, MONDO:0012348, OMIM 609812.

Submission:

Istanbul Faculty of Medicine, Istanbul University
Classification: Likely pathogenic for Maturity-onset diabetes of the young type 8. Last evaluated: 2026-02-02. Review status: criteria provided, single submitter. Criteria: ACMG Guidelines, 2015. Collection method: clinical testing. Allele origin: unknown. Affected: no. Observed: 1 variant allele.
Comment: The variant chr9:133064722 C>A (GRCh38) was evaluated according to ACMG/AMP variant interpretation guidelines. This variant introduces a premature termination codon predicted to result in nonsense-mediated mRNA decay and loss of normal protein function. Loss of function is an established disease mechanism for this gene; therefore, criterion PVS1 (very strong) was applied. The variant is absent from population databases including gnomAD v2.1.1 and v3.1.2, supporting application of PM2_supporting. No conflicting benign evidence was identified. Based on the available evidence and ACMG/AMP criteria (PVS1, PM2_supporting), this variant is classified as Likely Pathogenic.